The following is an entry in ClinVar:

ClinVar aggregate classification (germline): Uncertain significance (1 of 4 stars; one submission).

Conditions:
Inborn genetic diseases. Identifiers: MedGen C0950123, MeSH D030342.

Submission:

Ambry Genetics
Classification: Uncertain significance for Inborn genetic diseases. Last evaluated: 2024-12-28. Review status: criteria provided, single submitter. Criteria: Ambry Variant Classification Scheme 2023. Collection method: clinical testing. Allele origin: germline.
Comment: The p.Q181H variant (also known as c.543G>C), located in coding exon 5 of the USB1 gene, results from a G to C substitution at nucleotide position 543. The glutamine at codon 181 is replaced by histidine, an amino acid with highly similar properties. This amino acid position is conserved. In addition, this alteration is predicted to be tolerated by in silico analysis. Based on the available evidence, the clinical significance of this variant remains unclear.

NM_024598.4(USB1):c.543G>C (p.Gln181His)

Gene: USB1 (U6 snRNA biogenesis phosphodiesterase 1; plus strand). Cytogenetic location: 16q21.
Variant type: single nucleotide variant.
Coding change: c.543G>C on transcript NM_024598.4 (MANE Select); coding-DNA position 543, G replaced by C.
Protein change: p.Gln181His; replaces glutamine 181 with histidine.
Molecular consequence: missense variant.
Genome position (GRCh38, 1-based): chr16:58,017,373, G>C. VCF-style: chr16-58017373-G-C. GRCh37 (hg19) VCF-style: chr16-58051277-G-C.
Other names: c.489G>C, p.Gln163His (NM_001195302.2); c.390G>C, p.Gln130His (NM_001330568.2); short protein forms Q163H, Q181H, Q130H.
Identifiers: ClinVar variation 3813867 (VCV003813867.1).